The following is an entry in ClinVar:

NM_139076.3(ABRAXAS1):c.7G>A (p.Gly3Arg)

Genes: ABRAXAS1 (abraxas 1, BRCA1 A complex subunit; minus strand), LOC129992784 (ATAC-STARR-seq lymphoblastoid silent region 15542; plus strand). Cytogenetic location: 4q21.23.
Variant type: single nucleotide variant.
Coding change: c.7G>A on transcript NM_139076.3 (MANE Select); coding-DNA position 7, G replaced by A.
Protein change: p.Gly3Arg; replaces glycine 3 with arginine.
Molecular consequence: missense variant. On other transcripts: 5 prime UTR variant (1).
Genome position (GRCh38, 1-based): chr4:83,485,066, C>T on the plus strand (G>A on the coding strand, the complement: ABRAXAS1 is on the minus strand). VCF-style: chr4-83485066-C-T. GRCh37 (hg19) VCF-style: chr4-84406219-C-T.
Other names: c.-254G>A (NM_001345962.2); short protein forms G3R.
Identifiers: ClinVar variation 1339748 (VCV001339748.9), dbSNP rs370520589, ClinGen allele CA2990697.

ClinVar aggregate classification (germline): Uncertain significance. Review status: criteria provided, multiple submitters, no conflicts (2 of 4 stars). 2 submissions from 2 submitters: Uncertain significance (2). Last evaluated 2022-12-02.

gnomAD v4.1: 10 of 1,588,018 alleles (0.00063%); highest among the groups gnomAD compares: African/African-American, 0.0028%; no homozygotes.

Submissions (2):

Labcorp Genetics (formerly Invitae), Labcorp
Classification: Uncertain significance. Last evaluated: 2022-12-02. Review status: criteria provided, single submitter. Criteria: Invitae Variant Classification Sherloc (09022015). Collection method: clinical testing. Allele origin: germline.
Comment: This sequence change replaces glycine, which is neutral and non-polar, with arginine, which is basic and polar, at codon 3 of the ABRAXAS1 protein (p.Gly3Arg). This variant is present in population databases (rs370520589, gnomAD 0.009%). In summary, the available evidence is currently insufficient to determine the role of this variant in disease. Therefore, it has been classified as a Variant of Uncertain Significance. Algorithms developed to predict the effect of missense changes on protein structure and function are either unavailable or do not agree on the potential impact of this missense change (SIFT: "Deleterious"; PolyPhen-2: "Probably Damaging"; Align-GVGD: "Class C0"). ClinVar contains an entry for this variant (Variation ID: 1339748). This variant has not been reported in the literature in individuals affected with ABRAXAS1-related conditions.

Women's Health and Genetics/Laboratory Corporation of America, LabCorp
Classification: Uncertain significance. Last evaluated: 2022-01-03. Review status: criteria provided, single submitter. Criteria: LabCorp Variant Classification Summary - May 2015. Collection method: clinical testing. Allele origin: germline.
Comment: Variant summary: FAM175A c.7G>A (p.Gly3Arg) results in a non-conservative amino acid change in the encoded protein sequence. Four of five in-silico tools predict a damaging effect of the variant on protein function. The variant allele was found at a frequency of 4.4e-06 in 225418 control chromosomes, however the available data on variant occurrences in the general population are insufficient to allow any conclusion about variant significance. To our knowledge, no occurrence of c.7G>A in individuals affected with Hereditary Breast and Ovarian Cancer Syndrome and no experimental evidence demonstrating its impact on protein function have been reported. No clinical diagnostic laboratories have submitted clinical-significance assessments for this variant to ClinVar after 2014. However, a different variant affecting the same nucleotide and resulting in the same missense change, c.7G>C (p.Gly3Arg), is classified as benign by our laboratory. Based on the evidence outlined above, the variant was classified as VUS-possibly benign.